The following is an entry in ClinVar:

ClinVar aggregate classification (germline): Uncertain significance (1 of 4 stars; one submission).

Submission:

Labcorp Genetics (formerly Invitae), Labcorp
Classification: Uncertain significance. Last evaluated: 2024-11-11. Review status: criteria provided, single submitter. Criteria: Invitae Variant Classification Sherloc (09022015). Collection method: clinical testing. Allele origin: germline.
Comment: This sequence change replaces threonine, which is neutral and polar, with serine, which is neutral and polar, at codon 236 of the RASA2 protein (p.Thr236Ser). This variant is not present in population databases (gnomAD no frequency). This variant has not been reported in the literature in individuals affected with RASA2-related conditions. An algorithm developed to predict the effect of missense changes on protein structure and function outputs the following: PolyPhen-2: "Benign". The serine amino acid residue is found in multiple mammalian species, which suggests that this missense change does not adversely affect protein function. In summary, the available evidence is currently insufficient to determine the role of this variant in disease. Therefore, it has been classified as a Variant of Uncertain Significance.

NM_006506.5(RASA2):c.706A>T (p.Thr236Ser)

Gene: RASA2 (RAS p21 protein activator 2; plus strand). Cytogenetic location: 3q23.
Variant type: single nucleotide variant.
Coding change: c.706A>T on transcript NM_006506.5 (MANE Select); coding-DNA position 706, A replaced by T.
Protein change: p.Thr236Ser; replaces threonine 236 with serine.
Molecular consequence: missense variant.
Genome position (GRCh38, 1-based): chr3:141,558,907, A>T. VCF-style: chr3-141558907-A-T. GRCh37 (hg19) VCF-style: chr3-141277749-A-T.
Other names: c.706A>T, p.Thr236Ser (NM_001303245.3, NM_001303246.3); short protein forms T236S.
Identifiers: ClinVar variation 3725008 (VCV003725008.2).